The following is an entry in ClinVar:

NM_004360.5(CDH1):c.2023A>G (p.Lys675Glu)

Gene: CDH1 (cadherin 1; plus strand). Cytogenetic location: 16q22.1.
Variant type: single nucleotide variant.
Coding change: c.2023A>G on transcript NM_004360.5 (MANE Select); coding-DNA position 2023, A replaced by G.
Protein change: p.Lys675Glu; replaces lysine 675 with glutamic acid.
Molecular consequence: missense variant.
Genome position (GRCh38, 1-based): chr16:68,823,485, A>G. VCF-style: chr16-68823485-A-G. GRCh37 (hg19) VCF-style: chr16-68857388-A-G.
Other names: c.1840A>G, p.Lys614Glu (NM_001317184.2); c.475A>G, p.Lys159Glu (NM_001317185.2); c.58A>G, p.Lys20Glu (NM_001317186.2); short protein forms K159E, K614E, K675E, K20E.
Identifiers: ClinVar variation 1784602 (VCV001784602.7), dbSNP rs2543945571, ClinGen allele CA396467691.

ClinVar aggregate classification (germline): Uncertain significance. Review status: criteria provided, multiple submitters, no conflicts (2 of 4 stars). 2 submissions from 2 submitters: Uncertain significance (2). Last evaluated 2022-03-02.

Conditions:
Hereditary diffuse gastric adenocarcinoma (HDGC). Also called: DIFFUSE GASTRIC AND LOBULAR BREAST CANCER SYNDROME. Identifiers: Orphanet 26106, MedGen C1708349, MONDO:0007648, OMIM 137215.
Hereditary cancer-predisposing syndrome. Also called: Tumor predisposition; Neoplastic Syndromes, Hereditary; Hereditary Cancer Syndrome; Hereditary neoplastic syndrome. Identifiers: Orphanet 140162, MedGen C0027672, MeSH D009386, MONDO:0015356.

Submissions (2):

Labcorp Genetics (formerly Invitae), Labcorp
Classification: Uncertain significance for Hereditary diffuse gastric adenocarcinoma. Last evaluated: 2022-03-02. Review status: criteria provided, single submitter. Criteria: Invitae Variant Classification Sherloc (09022015). Collection method: clinical testing. Allele origin: germline.
Comment: In summary, the available evidence is currently insufficient to determine the role of this variant in disease. Therefore, it has been classified as a Variant of Uncertain Significance. Algorithms developed to predict the effect of missense changes on protein structure and function are either unavailable or do not agree on the potential impact of this missense change (SIFT: "Tolerated"; PolyPhen-2: "Possibly Damaging"; Align-GVGD: "Class C0"). This variant has not been reported in the literature in individuals affected with CDH1-related conditions. This variant is not present in population databases (gnomAD no frequency). This sequence change replaces lysine, which is basic and polar, with glutamic acid, which is acidic and polar, at codon 675 of the CDH1 protein (p.Lys675Glu).

Ambry Genetics
Classification: Uncertain significance for Hereditary cancer-predisposing syndrome. Last evaluated: 2022-01-04. Review status: criteria provided, single submitter. Criteria: Ambry Variant Classification Scheme 2023. Collection method: clinical testing. Allele origin: germline.
Comment: The p.K675E variant (also known as c.2023A>G), located in coding exon 13 of the CDH1 gene, results from an A to G substitution at nucleotide position 2023. The lysine at codon 675 is replaced by glutamic acid, an amino acid with similar properties. This amino acid position is not well conserved in available vertebrate species. In addition, this alteration is predicted to be tolerated by in silico analysis. Since supporting evidence is limited at this time, the clinical significance of this alteration remains unclear.